The following is an entry in ClinVar:

ClinVar aggregate classification (germline): Uncertain significance. Review status: criteria provided, single submitter (1 of 4 stars). 2 submissions from 2 submitters: Uncertain significance (1). 1 of the submissions does not count toward it. Last evaluated 2019-10-25.

Conditions:
Charcot-Marie-Tooth Neuropathy X. Identifiers: MedGen CN118851.
Charcot-Marie-Tooth disease. Also called: Charcot-Marie-Tooth Hereditary Neuropathy; Charcot-Marie-Tooth Neuropathy. Identifiers: Orphanet 166, MedGen C0007959, MONDO:0015626.

Submissions (2):

Labcorp Genetics (formerly Invitae), Labcorp
Classification: Uncertain significance for Charcot-Marie-Tooth Neuropathy X. Last evaluated: 2019-10-25. Review status: criteria provided, single submitter. Criteria: Invitae Variant Classification Sherloc (09022015). Collection method: clinical testing. Allele origin: germline.
Comment: This sequence change replaces valine with glutamic acid at codon 120 of the GJB1 protein (p.Val120Glu). The valine residue is highly conserved and there is a moderate physicochemical difference between valine and glutamic acid. This variant is not present in population databases (ExAC no frequency). This variant has been observed in individuals with clinical features of Charcot-Marie-Tooth disease (PMID: 10220155, Invitae). ClinVar contains an entry for this variant (Variation ID: 637612). Algorithms developed to predict the effect of missense changes on protein structure and function (SIFT, PolyPhen-2, Align-GVGD) all suggest that this variant is likely to be disruptive, but these predictions have not been confirmed by published functional studies and their clinical significance is uncertain. In summary, the available evidence is currently insufficient to determine the role of this variant in disease. Therefore, it has been classified as a Variant of Uncertain Significance.

Inherited Neuropathy Consortium
Classification: Uncertain significance for Charcot-Marie-Tooth disease. Review status: no assertion criteria provided. Collection method: literature only. Allele origin: germline. Affected: yes. Not counted in ClinVar's aggregate classification.

Literature cited by the submitters: PubMed 10220155 (cited by Labcorp Genetics (formerly Invitae), Labcorp); PubMed 9854984 (cited by Inherited Neuropathy Consortium).

NM_000166.6(GJB1):c.359T>A (p.Val120Glu)

Gene: GJB1 (gap junction protein beta 1; plus strand). Cytogenetic location: Xq13.1.
Variant type: single nucleotide variant.
Coding change: c.359T>A on transcript NM_000166.6 (MANE Select); coding-DNA position 359, T replaced by A.
Protein change: p.Val120Glu; replaces valine 120 with glutamic acid.
Molecular consequence: missense variant.
Genome position (GRCh38, 1-based): chrX:71,224,066, T>A. VCF-style: chrX-71224066-T-A. GRCh37 (hg19) VCF-style: chrX-70443916-T-A.
Other names: c.359T>A, p.Val120Glu (NM_001097642.3); short protein forms V120E.
Identifiers: ClinVar variation 637612 (VCV000637612.10), dbSNP rs1049663989, ClinGen allele CA413502014.